The following is an entry in ClinVar:

ClinVar aggregate classification (germline): Uncertain significance. Review status: criteria provided, multiple submitters, no conflicts (2 of 4 stars). 2 submissions from 2 submitters: Uncertain significance (2). Last evaluated 2023-08-01.

Allele frequency attached by ClinVar (database versions not stated): ExAC 0.00001; gnomAD 0.00001; gnomAD exomes 0.00001.
gnomAD v4.1: 32 of 1,613,816 alleles (0.002%); highest among the groups gnomAD compares: Non-Finnish European, 0.0025%; no homozygotes.

Submissions (2):

CeGaT Center for Human Genetics Tuebingen
Classification: Uncertain significance. Last evaluated: 2023-08-01. Review status: criteria provided, single submitter. Criteria: CeGaT Center For Human Genetics Tuebingen Variant Classification Criteria Version 2. Collection method: clinical testing. Allele origin: germline. Affected: yes. Observed: 1 variant allele.
Comment: ABCC6: PM2, BP4

Labcorp Genetics (formerly Invitae), Labcorp
Classification: Uncertain significance. Last evaluated: 2022-10-28. Review status: criteria provided, single submitter. Criteria: Invitae Variant Classification Sherloc (09022015). Collection method: clinical testing. Allele origin: germline.
Comment: This sequence change replaces alanine, which is neutral and non-polar, with threonine, which is neutral and polar, at codon 637 of the ABCC6 protein (p.Ala637Thr). In summary, the available evidence is currently insufficient to determine the role of this variant in disease. Therefore, it has been classified as a Variant of Uncertain Significance. Advanced modeling of protein sequence and biophysical properties (such as structural, functional, and spatial information, amino acid conservation, physicochemical variation, residue mobility, and thermodynamic stability) performed at Invitae indicates that this missense variant is not expected to disrupt ABCC6 protein function. ClinVar contains an entry for this variant (Variation ID: 1397963). This variant has not been reported in the literature in individuals affected with ABCC6-related conditions. This variant is present in population databases (rs759329140, gnomAD 0.002%).

NM_001171.6(ABCC6):c.1909G>A (p.Ala637Thr)

Gene: ABCC6 (ATP binding cassette subfamily C member 6; minus strand). Cytogenetic location: 16p13.11.
Variant type: single nucleotide variant.
Coding change: c.1909G>A on transcript NM_001171.6 (MANE Select); coding-DNA position 1909, G replaced by A.
Protein change: p.Ala637Thr; replaces alanine 637 with threonine.
Molecular consequence: missense variant. On other transcripts: non-coding transcript variant (1).
Genome position (GRCh38, 1-based): chr16:16,184,993, C>T on the plus strand (G>A on the coding strand, the complement: ABCC6 is on the minus strand). VCF-style: chr16-16184993-C-T. GRCh37 (hg19) VCF-style: chr16-16278850-C-T.
Other names: c.1567G>A, p.Ala523Thr (NM_001351800.1); short protein forms A637T, A523T.
Identifiers: ClinVar variation 1397963 (VCV001397963.29), dbSNP rs759329140, ClinGen allele CA7926108.